The following is an entry in ClinVar:

NM_002294.3(LAMP2):c.42C>T (p.Leu14=)

Gene: LAMP2 (lysosome associated membrane protein 2; minus strand). Cytogenetic location: Xq24.
Variant type: single nucleotide variant.
Coding change: c.42C>T on transcript NM_002294.3 (MANE Select); coding-DNA position 42, C replaced by T.
Protein change: p.Leu14=; no amino-acid change (leucine 14 retained).
Molecular consequence: synonymous variant.
Genome position (GRCh38, 1-based): chrX:120,469,128, G>A on the plus strand (C>T on the coding strand, the complement: LAMP2 is on the minus strand). VCF-style: chrX-120469128-G-A. GRCh37 (hg19) VCF-style: chrX-119602983-G-A.
Other names: c.42C>T, p.Leu14= (NM_001122606.1, NM_013995.2).
Identifiers: ClinVar variation 163819 (VCV000163819.31), dbSNP rs727503122, ClinGen allele CA176523.

ClinVar aggregate classification (germline): Likely benign. Review status: criteria provided, multiple submitters, no conflicts (2 of 4 stars). 6 submissions from 6 submitters: Likely benign (3). 3 of the submissions do not count toward it. Last evaluated 2025-12-16.

Conditions:
Cardiovascular phenotype. Identifiers: MedGen CN230736.
Danon disease. Also called: PSEUDOGLYCOGENOSIS II; Glycogen Storage Disease Type IIb; ANTOPOL DISEASE; GSD IIb; LYSOSOMAL GLYCOGEN STORAGE DISEASE WITHOUT ACID MALTASE DEFICIENCY. Identifiers: Orphanet 34587, MedGen C0878677, MONDO:0010281, OMIM 300257.

Allele frequency attached by ClinVar (database versions not stated): ExAC 0.00001; TOPMed 0.00002; gnomAD exomes 0.00003; gnomAD 0.00009.
gnomAD v4.1: 17 of 1,210,847 alleles (0.0014%); highest among the groups gnomAD compares: East Asian, 0.015%; no homozygotes.

Submissions (6):

Labcorp Genetics (formerly Invitae), Labcorp
Classification: Likely benign for Danon disease. Last evaluated: 2025-12-16. Review status: criteria provided, single submitter. Criteria: Invitae Variant Classification Sherloc (09022015). Collection method: clinical testing. Allele origin: germline.

Ambry Genetics
Classification: Likely benign for Cardiovascular phenotype. Last evaluated: 2019-11-24. Review status: criteria provided, single submitter. Criteria: Ambry Variant Classification Scheme 2023. Collection method: clinical testing. Allele origin: germline.

Laboratory for Molecular Medicine, Mass General Brigham Personalized Medicine
Classification: Likely benign. Last evaluated: 2014-06-13. Review status: criteria provided, single submitter. Criteria: LMM Criteria. Collection method: clinical testing. Allele origin: germline. Observed: 1 variant allele.
Comment: Leu14Leu in exon 1 of LAMP2: This variant is not expected to have clinical signi ficance because it does not alter an amino acid residue and is not located withi n the splice consensus sequence.

Clinical Genetics, Academic Medical Center
Classification: Benign. Review status: no assertion criteria provided. Collection method: clinical testing. Allele origin: germline. Affected: yes. Study: VKGL Data-share Consensus. Not counted in ClinVar's aggregate classification.

Genome Diagnostics Laboratory, University Medical Center Utrecht
Classification: Likely benign. Review status: no assertion criteria provided. Collection method: clinical testing. Allele origin: germline. Affected: yes. Study: VKGL Data-share Consensus. Not counted in ClinVar's aggregate classification.

Joint Genome Diagnostic Labs from Nijmegen and Maastricht, Radboudumc and MUMC+
Classification: Likely benign. Review status: no assertion criteria provided. Collection method: clinical testing. Allele origin: germline. Affected: yes. Study: VKGL Data-share Consensus. Not counted in ClinVar's aggregate classification.